The following is an entry in ClinVar:

NM_015047.3(EMC1):c.793G>C (p.Asp265His)

Genes: EMC1 (ER membrane protein complex subunit 1; minus strand), EMC1-AS1 (EMC1 antisense RNA 1; plus strand). Cytogenetic location: 1p36.13.
Variant type: single nucleotide variant.
Coding change: c.793G>C on transcript NM_015047.3 (MANE Select); coding-DNA position 793, G replaced by C.
Protein change: p.Asp265His; replaces aspartic acid 265 with histidine.
Molecular consequence: missense variant.
Genome position (GRCh38, 1-based): chr1:19,239,979, C>G on the plus strand (G>C on the coding strand, the complement: EMC1 is on the minus strand). VCF-style: chr1-19239979-C-G. GRCh37 (hg19) VCF-style: chr1-19566473-C-G.
Other names: c.793G>C, p.Asp265His (NM_001271427.2, NM_001271428.2, NM_001375820.1 and 1 more transcripts); c.727G>C, p.Asp243His (NM_001271429.2); short protein forms D265H, D243H.
Identifiers: ClinVar variation 4743268 (VCV004743268.1).

ClinVar aggregate classification (germline): Uncertain significance (1 of 4 stars; one submission).

Submission:

Labcorp Genetics (formerly Invitae), Labcorp
Classification: Uncertain significance. Last evaluated: 2025-10-21. Review status: criteria provided, single submitter. Criteria: Invitae Variant Classification Sherloc (09022015). Collection method: clinical testing. Allele origin: germline.
Comment: This sequence change replaces aspartic acid, which is acidic and polar, with histidine, which is basic and polar, at codon 265 of the EMC1 protein (p.Asp265His). This variant is not present in population databases (gnomAD no frequency). This variant has not been reported in the literature in individuals affected with EMC1-related conditions. Invitae Evidence Modeling of protein sequence and biophysical properties (such as structural, functional, and spatial information, amino acid conservation, physicochemical variation, residue mobility, and thermodynamic stability) indicates that this missense variant is not expected to disrupt EMC1 protein function with a negative predictive value of 80%. In summary, the available evidence is currently insufficient to determine the role of this variant in disease. Therefore, it has been classified as a Variant of Uncertain Significance.